The following is an entry in ClinVar:

ClinVar aggregate classification (germline): Benign (1 of 4 stars; one submission).

Allele frequency attached by ClinVar (database versions not stated): 1000 Genomes Project 30x 0.00297; TOPMed 0.00331; 1000 Genomes Project 0.00339; gnomAD 0.00467; ESP Exome Variant Server 0.00484; ExAC 0.00618; gnomAD exomes 0.00644.

Submission:

CeGaT Center for Human Genetics Tuebingen
Classification: Benign. Last evaluated: 2026-01-01. Review status: criteria provided, single submitter. Criteria: CeGaT Center For Human Genetics Tuebingen Variant Classification Criteria Version 2. Collection method: clinical testing. Allele origin: germline. Affected: yes. Observed: 6 variant alleles.
Comment: HS1BP3: BP4, BS1, BS2

NM_022460.4(HS1BP3):c.316C>T (p.Arg106Trp)

Gene: HS1BP3 (HCLS1 binding protein 3; minus strand). Cytogenetic location: 2p24.1.
Variant type: single nucleotide variant.
Coding change: c.316C>T on transcript NM_022460.4 (MANE Select); coding-DNA position 316, C replaced by T.
Protein change: p.Arg106Trp; replaces arginine 106 with tryptophan.
Molecular consequence: missense variant.
Genome position (GRCh38, 1-based): chr2:20,641,063, G>A on the plus strand (C>T on the coding strand, the complement: HS1BP3 is on the minus strand). VCF-style: chr2-20641063-G-A. GRCh37 (hg19) VCF-style: chr2-20840823-G-A.
Other names: short protein forms R106W.
Identifiers: ClinVar variation 2650705 (VCV002650705.24), dbSNP rs77551133, ClinGen allele CA1545893.